The following is an entry in ClinVar:

ClinVar aggregate classification (germline): Pathogenic (1 of 4 stars; one submission).

Conditions:
Breast-ovarian cancer, familial, susceptibility to, 1 (BROVCA1). Also called: BRCA1 Hereditary Breast and Ovarian Cancer; OVARIAN CANCER, SUSCEPTIBILITY TO. Identifiers: Orphanet 145, MedGen C2676676, MONDO:0011450, OMIM 604370. Disease mechanism: loss of function.

Submission:

Myriad Genetics, Inc.
Classification: Pathogenic for Breast-ovarian cancer, familial, susceptibility to, 1. Last evaluated: 2024-10-17. Review status: criteria provided, single submitter. Criteria: Myriad Autosomal Dominant, Autosomal Recessive and X-Linked Classification Criteria (2023). Collection method: clinical testing. Allele origin: unknown.
Comment: This variant is considered pathogenic. This variant creates a frameshift predicted to result in premature protein truncation.

NM_007294.4(BRCA1):c.4688_4706del (p.Tyr1563fs)

Gene: BRCA1 (BRCA1 DNA repair associated; minus strand). Cytogenetic location: 17q21.31.
Variant type: Deletion.
Coding change: c.4688_4706del on transcript NM_007294.4 (MANE Select); coding-DNA positions 4688 to 4706, 19 bases deleted (ACCTGGAATCTGGAATCAG).
Protein change: p.Tyr1563fs; shifts the reading frame from tyrosine 1563.
Molecular consequence: frameshift variant. On other transcripts: intron variant (1).
Genome position (GRCh38, 1-based): chr17:43,071,208-43,071,226, CTGATTCCAGATTCCAGGT deleted on the plus strand (ACCTGGAATCTGGAATCAG on the coding strand, the reverse complement: BRCA1 is on the minus strand). VCF-style (leftmost placement, unchanged base first): chr17-43071207-GCTGATTCCAGATTCCAGGT-G. GRCh37 (hg19) VCF-style: chr17-41223224-GCTGATTCCAGATTCCAGGT-G.
Other names: c.3797_3815del, p.Tyr1266fs (NM_001407967.1); c.2084_2102del, p.Tyr695fs (NM_001407968.1); c.2081_2099del, p.Tyr694fs (NM_001407969.1); c.1445_1463del, p.Tyr482fs (NM_001407970.1, NM_001407971.1); c.1442_1460del, p.Tyr481fs (NM_001407972.1); c.1379_1397del, p.Tyr460fs (NM_001407973.1, NM_001407974.1, NM_001407975.1 and 3 more transcripts); c.1376_1394del, p.Tyr459fs (NM_001407979.1, NM_001407980.1, NM_001407981.1 and 12 more transcripts); c.4352_4370del, p.Tyr1451fs (NM_001407950.1, NM_001407951.1, NM_001407952.1 and 3 more transcripts); and 71 more; short protein forms Y371fs, Y372fs, Y378fs, Y380fs, Y388fs, Y389fs, Y390fs, Y392fs.
Identifiers: ClinVar variation 3773503 (VCV003773503.1).